The following is an entry in ClinVar:

ClinVar aggregate classification (germline): Uncertain significance (1 of 4 stars; one submission).

Conditions:
Hereditary pancreatitis (PCTT). Also called: Hereditary chronic pancreatitis; PRSS1-Related Hereditary Pancreatitis. Identifiers: Orphanet 676, MedGen C0238339, MONDO:0008185, OMIM 167800.

Submission:

Ambry Genetics
Classification: Uncertain significance for Hereditary pancreatitis. Last evaluated: 2025-10-14. Review status: criteria provided, single submitter. Criteria: Ambry Variant Classification Scheme 2023. Collection method: clinical testing. Allele origin: germline.
Comment: The p.D327V variant (also known as c.980A>T), located in coding exon 8 of the CPA1 gene, results from an A to T substitution at nucleotide position 980. The aspartic acid at codon 327 is replaced by valine, an amino acid with highly dissimilar properties. This amino acid position is conserved. In addition, this alteration is predicted to be tolerated by in silico analysis. Based on the available evidence, the clinical significance of this variant remains unclear.

NM_001868.4(CPA1):c.980A>T (p.Asp327Val)

Gene: CPA1 (carboxypeptidase A1; plus strand). Cytogenetic location: 7q32.2.
Variant type: single nucleotide variant.
Coding change: c.980A>T on transcript NM_001868.4 (MANE Select); coding-DNA position 980, A replaced by T.
Protein change: p.Asp327Val; replaces aspartic acid 327 with valine.
Molecular consequence: missense variant.
Genome position (GRCh38, 1-based): chr7:130,385,338, A>T. VCF-style: chr7-130385338-A-T. GRCh37 (hg19) VCF-style: chr7-130025179-A-T.
Other names: short protein forms D327V.
Identifiers: ClinVar variation 4559582 (VCV004559582.1).
Genomic context (GRCh38, chr7:130,385,338, plus strand): 5'-GCTACTCCCAGCTCCTCATGTATCCCTATGGCTACAAAACAGAACCAGTCCCTGACCAGG[A>T]TGAGCTGGTAGGCACTGACCTCGGCTTGCCCCCTCGTCCCCAAGGTGGCTTCGGACAGGC-3'
Protein context (NP_001859.1, residues 317-337): GYKTEPVPDQ[Asp327Val]ELDQLSKAAV